The following is an entry in ClinVar:

NM_025257.3(SLC44A4):c.551G>A (p.Trp184Ter)

Gene: SLC44A4 (solute carrier family 44 member 4; minus strand). Cytogenetic location: 6p21.33.
Variant type: single nucleotide variant.
Coding change: c.551G>A on transcript NM_025257.3 (MANE Select); coding-DNA position 551, G replaced by A.
Protein change: p.Trp184Ter; replaces tryptophan 184 with a stop codon.
Molecular consequence: nonsense.
Genome position (GRCh38, 1-based): chr6:31,871,540, C>T on the plus strand (G>A on the coding strand, the complement: SLC44A4 is on the minus strand). VCF-style: chr6-31871540-C-T. GRCh37 (hg19) VCF-style: chr6-31839317-C-T.
Other names: c.425G>A, p.Trp142Ter (NM_001178044.2); c.323G>A, p.Trp108Ter (NM_001178045.2); short protein forms W108*, W142*, W184*.
Identifiers: ClinVar variation 3768703 (VCV003768703.1).

ClinVar aggregate classification (germline): Uncertain significance (1 of 4 stars; one submission).

Submission:

Women's Health and Genetics/Laboratory Corporation of America, LabCorp
Classification: Uncertain significance. Last evaluated: 2025-02-06. Review status: criteria provided, single submitter. Criteria: LabCorp Variant Classification Summary - May 2015. Collection method: clinical testing. Allele origin: germline.
Comment: Variant summary: SLC44A4 c.551G>A (p.Trp184X) results in a premature termination codon, predicted to cause a truncation of the encoded protein or absence of the protein due to nonsense mediated decay, however current evidence is not sufficient to establish loss of function as a mechanism for disease. The variant allele was found at a frequency of 8e-06 in 251036 control chromosomes. The available data on variant occurrences in the general population are insufficient to allow any conclusion about variant significance. To our knowledge, no occurrence of c.551G>A in individuals affected with Hearing Loss, Autosomal Dominant 72 and no experimental evidence demonstrating its impact on protein function have been reported. No submitters have cited clinical-significance assessments for this variant to ClinVar. Based on the evidence outlined above, the variant was classified as uncertain significance.